The following is an entry in ClinVar:

ClinVar aggregate classification (germline): Uncertain significance (1 of 4 stars; one submission).

Allele frequency attached by ClinVar (database versions not stated): ExAC 0.00001; gnomAD 0.00001; TOPMed 0.00003.
gnomAD v4.1: 3 of 1,541,428 alleles (0.00019%); highest among the groups gnomAD compares: East Asian, 0.0067%; no homozygotes.

Submission:

Ambry Genetics
Classification: Uncertain significance. Last evaluated: 2023-09-30. Review status: criteria provided, single submitter. Criteria: Ambry Variant Classification Scheme 2023. Collection method: clinical testing. Allele origin: germline.
Comment: The p.S2415F variant (also known as c.7244C>T), located in coding exon 26 of the POLQ gene, results from a C to T substitution at nucleotide position 7244. The serine at codon 2415 is replaced by phenylalanine, an amino acid with highly dissimilar properties. This amino acid position is conserved. In addition, this alteration is predicted to be deleterious by in silico analysis. Since supporting evidence is limited at this time, the clinical significance of this alteration remains unclear.

NM_199420.4(POLQ):c.7244C>T (p.Ser2415Phe)

Gene: POLQ (DNA polymerase theta; minus strand). Cytogenetic location: 3q13.33.
Variant type: single nucleotide variant.
Coding change: c.7244C>T on transcript NM_199420.4 (MANE Select); coding-DNA position 7244, C replaced by T.
Protein change: p.Ser2415Phe; replaces serine 2415 with phenylalanine.
Molecular consequence: missense variant.
Genome position (GRCh38, 1-based): chr3:121,449,335, G>A on the plus strand (C>T on the coding strand, the complement: POLQ is on the minus strand). VCF-style: chr3-121449335-G-A. GRCh37 (hg19) VCF-style: chr3-121168182-G-A.
Other names: short protein forms S2415F.
Identifiers: ClinVar variation 3230143 (VCV003230143.1), dbSNP rs753740561, ClinGen allele CA2562234.